The following is an entry in ClinVar:

ClinVar aggregate classification (germline): Uncertain significance (1 of 4 stars; one submission).

Submission:

Labcorp Genetics (formerly Invitae), Labcorp
Classification: Uncertain significance. Last evaluated: 2024-12-15. Review status: criteria provided, single submitter. Criteria: Invitae Variant Classification Sherloc (09022015). Collection method: clinical testing. Allele origin: germline.
Comment: This variant, c.3164_3166del, results in the deletion of 1 amino acid(s) of the ARHGEF10 protein (p.Leu1055del), but otherwise preserves the integrity of the reading frame. This variant is present in population databases (rs758055858, gnomAD 0.01%). This variant has not been reported in the literature in individuals affected with ARHGEF10-related conditions. ClinVar contains an entry for this variant (Variation ID: 1396361). Experimental studies and prediction algorithms are not available or were not evaluated, and the functional significance of this variant is currently unknown. In summary, the available evidence is currently insufficient to determine the role of this variant in disease. Therefore, it has been classified as a Variant of Uncertain Significance.

NM_014629.4(ARHGEF10):c.3164_3166del (p.Leu1055del)

Gene: ARHGEF10 (Rho guanine nucleotide exchange factor 10; plus strand). Cytogenetic location: 8p23.3.
Variant type: Deletion.
Coding change: c.3164_3166del on transcript NM_014629.4 (MANE Select); coding-DNA positions 3164 to 3166, 3 bases deleted (TGT; older notation c.3164_3166delTGT).
Protein change: p.Leu1055del; deletes leucine 1055.
Molecular consequence: inframe deletion. On other transcripts: inframe indel (1).
Genome position (GRCh38, 1-based): chr8:1,933,884-1,933,886, TGT deleted; deleting any 3 consecutive bases within chr8:1,933,882-1,933,886 gives the same sequence; the c. name uses the placement nearest the transcript's 3' end. VCF-style (leftmost placement, unchanged base first): chr8-1933881-CGTT-C. GRCh37 (hg19) VCF-style: chr8-1882047-CGTT-C.
Other names: c.3050_3052del, p.Leu1017del (NM_001308152.2); c.3164_3166delTGT, p.Leu1055del (NM_001308153.3); short protein forms L1079del, L1017del, L1055del.
Identifiers: ClinVar variation 1396361 (VCV001396361.8), dbSNP rs758055858, ClinGen allele CA4601237.